The following is an entry in ClinVar:

ClinVar aggregate classification (germline): Uncertain significance (1 of 4 stars; one submission).

Allele frequency attached by ClinVar (database versions not stated): gnomAD 0.00003; ESP Exome Variant Server 0.00008.
gnomAD v4.1: 52 of 1,612,644 alleles (0.0032%); highest among the groups gnomAD compares: Non-Finnish European, 0.0043%; no homozygotes.

Submission:

Labcorp Genetics (formerly Invitae), Labcorp
Classification: Uncertain significance. Last evaluated: 2024-12-24. Review status: criteria provided, single submitter. Criteria: Invitae Variant Classification Sherloc (09022015). Collection method: clinical testing. Allele origin: germline.
Comment: This sequence change replaces glutamine, which is neutral and polar, with histidine, which is basic and polar, at codon 679 of the ADGRE2 protein (p.Gln679His). This variant is present in population databases (rs370665322, gnomAD 0.003%). This variant has not been reported in the literature in individuals affected with ADGRE2-related conditions. ClinVar contains an entry for this variant (Variation ID: 1921437). An algorithm developed to predict the effect of missense changes on protein structure and function outputs the following: PolyPhen-2: "Benign". The histidine amino acid residue is found in multiple mammalian species, which suggests that this missense change does not adversely affect protein function. In summary, the available evidence is currently insufficient to determine the role of this variant in disease. Therefore, it has been classified as a Variant of Uncertain Significance.

NM_013447.4(ADGRE2):c.2037A>T (p.Gln679His)

Gene: ADGRE2 (adhesion G protein-coupled receptor E2; minus strand). Cytogenetic location: 19p13.12.
Variant type: single nucleotide variant.
Coding change: c.2037A>T on transcript NM_013447.4 (MANE Select); coding-DNA position 2037, A replaced by T.
Protein change: p.Gln679His; replaces glutamine 679 with histidine.
Molecular consequence: missense variant.
Genome position (GRCh38, 1-based): chr19:14,746,950, T>A on the plus strand (A>T on the coding strand, the complement: ADGRE2 is on the minus strand). VCF-style: chr19-14746950-T-A. GRCh37 (hg19) VCF-style: chr19-14857762-T-A.
Other names: c.1863A>T, p.Gln621His (NM_001271052.1); c.1890A>T, p.Gln630His (NM_152916.2); c.1758A>T, p.Gln586His (NM_152917.2); short protein forms Q586H, Q679H, Q621H, Q630H.
Identifiers: ClinVar variation 1921437 (VCV001921437.5), dbSNP rs370665322, ClinGen allele CA9257512.
Genomic context (GRCh38, chr19:14,746,950, plus strand): 5'-ACTCACAGAGAAGATGGCGCAGACAGGTCCAAGGAAGCCCCATATAAATCCCTTTTCTGG[T>A]TGGAGCCAGCAGCTGAAAAAAGAGAGATTAAAAAAAATGCATCAGTTTTTGGAGATATGG-3'
Protein context (NP_038475.2, residues 669-689): LYGTPSRCWL[Gln679His]PEKGFIWGFL